The following is an entry in ClinVar:

NM_005148.4(UNC119):c.226C>T (p.Leu76Phe)

Gene: UNC119 (unc-119 lipid binding chaperone; minus strand). Cytogenetic location: 17q11.2.
Variant type: single nucleotide variant.
Coding change: c.226C>T on transcript NM_005148.4 (MANE Select); coding-DNA position 226, C replaced by T.
Protein change: p.Leu76Phe; replaces leucine 76 with phenylalanine.
Molecular consequence: missense variant. On other transcripts: 5 prime UTR variant (1).
Genome position (GRCh38, 1-based): chr17:28,548,700, G>A on the plus strand (C>T on the coding strand, the complement: UNC119 is on the minus strand). VCF-style: chr17-28548700-G-A. GRCh37 (hg19) VCF-style: chr17-26875718-G-A.
Other names: c.-60C>T (NM_001330166.2); c.226C>T, p.Leu76Phe (NM_054035.2); c.226C>T (NM_005148.3); short protein forms L76F.
Identifiers: ClinVar variation 1375959 (VCV001375959.7), dbSNP rs1226515301, ClinGen allele CA398333277.

ClinVar aggregate classification (germline): Uncertain significance. Review status: criteria provided, multiple submitters, no conflicts (2 of 4 stars). 2 submissions from 2 submitters: Uncertain significance (2). Last evaluated 2025-12-09.

Allele frequency attached by ClinVar (database versions not stated): gnomAD 0.00001; gnomAD exomes 0.00002 and below 0.00001; TOPMed below 0.00001.

Submissions (2):

Ambry Genetics
Classification: Uncertain significance. Last evaluated: 2025-12-09. Review status: criteria provided, single submitter. Criteria: Ambry Variant Classification Scheme 2023. Collection method: clinical testing. Allele origin: germline.

Labcorp Genetics (formerly Invitae), Labcorp
Classification: Uncertain significance. Last evaluated: 2025-03-17. Review status: criteria provided, single submitter. Criteria: Invitae Variant Classification Sherloc (09022015). Collection method: clinical testing. Allele origin: germline.
Comment: This sequence change replaces leucine with phenylalanine at codon 76 of the UNC119 protein (p.Leu76Phe). The leucine residue is highly conserved and there is a small physicochemical difference between leucine and phenylalanine. This variant is present in population databases (no rsID available, gnomAD 0.0009%). This variant has not been reported in the literature in individuals affected with UNC119-related conditions. ClinVar contains an entry for this variant (Variation ID: 1375959). An algorithm developed to predict the effect of missense changes on protein structure and function (PolyPhen-2) suggests that this variant is likely to be tolerated. In summary, the available evidence is currently insufficient to determine the role of this variant in disease. Therefore, it has been classified as a Variant of Uncertain Significance.